The following continues an entry in ClinVar:

NM_018706.7(DHTKD1):c.2185G>A (p.Gly729Arg)

Gene: DHTKD1. ClinVar aggregate classification (germline): Conflicting classifications of pathogenicity. Pathogenic (7); Likely pathogenic (13); Uncertain significance (4).

Submissions 21 to 28 of 28:

SIB Swiss Institute of Bioinformatics
Classification: Likely pathogenic for 2-aminoadipic 2-oxoadipic aciduria. Last evaluated: 2018-04-16. Review status: criteria provided, single submitter. Criteria: ACMG Guidelines, 2015. Collection method: curation. Allele origin: germline.
Comment: This variant is interpreted as a Likely Pathogenic, for 2-aminoadipic 2-oxoadipic aciduria, Autosomal Recessive inheritance. The following ACMG Tag(s) were applied: PM2 => Absent from controls (or at extremely low frequency if recessive) in Exome Sequencing Project, 1000 Genomes Project, or Exome Aggregation Consortium. PP3 => Multiple lines of computational evidence support a deleterious effect on the gene or gene product. PM6 => Assumed de novo, but without confirmation of paternity and maternity. PM3-Supporting => PM3 downgraded in strength to Supporting. PS3-Moderate => PS3 downgraded in strength to Moderate.

Laboratory for Molecular Medicine, Mass General Brigham Personalized Medicine
Classification: Uncertain significance for Inborn disorder of lysine and hydroxylysine metabolism. Last evaluated: 2016-11-11. Review status: criteria provided, single submitter. Criteria: ACMG Guidelines, 2015. Collection method: clinical testing. Allele origin: germline. Inheritance: Autosomal recessive inheritance.
Comment: The p.Gly729Arg variant in DHTKD1 has been reported in 3 compound heterozygous individuals with 2-aminoadipic & 2-oxoadipic aciduria, one occurrence noted to be de novo (Danhauser 2012, Lee 2014) and has also been identified in 0.23% (151/66498) of European chromosomes by the Exome Aggregation Consortium (ExAC; dbSNP rs117225135). Although this variant has been seen in the general population, its frequency is low enough to be consistent with a recessive carrier frequency. In vitro functional studies provide some evidence that the p.Gly729Arg variant may impact protein function (Danhauser 2012). However, these types of assays may not accurately represent biological function. In addition, computational prediction tools and conservation analysis do not provide strong support for or against an impact to the protein. In summary, the clinical significance of the p.Gly729Arg variant is uncertain.

Genomic Diagnostic Laboratory, Division of Genomic Diagnostics, Children's Hospital of Philadelphia
Classification: Likely pathogenic. Last evaluated: 2015-07-27. Review status: criteria provided, single submitter. Criteria: DGD Variant Analysis Guidelines. Collection method: clinical testing. Allele origin: unknown.

Baylor Genetics
Classification: Pathogenic for 2-aminoadipic 2-oxoadipic aciduria. Review status: criteria provided, single submitter. Criteria: ACMG Guidelines, 2015. Collection method: clinical testing. Allele origin: unknown.

Practice for Gait Abnormalities, David Pomarino, Competency Network Toe Walking C/o Practice Pomarino
Classification: Likely pathogenic for Tip-toe gait. Last evaluated: 2022-11-15. Review status: no assertion criteria provided. Collection method: clinical testing. Allele origin: germline. Affected: yes. Not counted in ClinVar's aggregate classification.
Comment: Hereditary motor sensory neuropathy (HMSN), also known as Charcot-Marie-Tooth Disease (CMT), is the most commonly inherited peripheral polyneuropathy. It constitutes a group of inherited, progressive, motor and sensory peripheral nerve disorders with properties of demyelination, axonal degeneration, or both. It is classified by clinical characteristics, modes of inheritance, electrophysiologic features, metabolic defects, and specific gene markers. Our patients all walk on tiptoe, so they show similar symptoms. When we genetically test them with our toe walking panel, we find that around 90 per cent of them have a genetic variant that explains their toe walking. These can be assigned, for example, to the area of myopathies (such as variants of the COL6A3 gene), the area of hereditary neuropathies (such as variants of the KMT2C gene) or the area of metabolic diseases (such as variants of the PYGM gene). In a smaller group of patients with almost identical symptoms, no abnormality is found in the genes of our panel, but spastic paraplegia can be detected. In another small group of our toe walkers, no abnormalities can be detected in the genes analysed in our toe walking panel, nor do they suffer from spastic paraplegia, as is also the case with healthy children. In contrast to these, however, they show a tiptoe gait. These patients suffer from infantile cerebral palsy, in which toe walking can also be observed.

Institute of Human Genetics, Cologne University
Classification: Pathogenic for 2-aminoadipic 2-oxoadipic aciduria. Last evaluated: 2018-04-25. Review status: no assertion criteria provided. Collection method: clinical testing. Allele origin: germline. Affected: yes. Not counted in ClinVar's aggregate classification.

Inherited Neuropathy Consortium Ii, University Of Miami
Classification: Uncertain significance for Charcot-Marie-Tooth disease type 2A2. Last evaluated: 2016-01-06. Review status: no assertion criteria provided. Collection method: literature only. Allele origin: germline. Affected: yes. Not counted in ClinVar's aggregate classification.

OMIM
Classification: Pathogenic for ALPHA-AMINOADIPIC AND ALPHA-KETOADIPIC ACIDURIA. Last evaluated: 2012-12-07. Review status: no assertion criteria provided. Collection method: literature only. Allele origin: germline. Not counted in ClinVar's aggregate classification.

Literature cited by the submitters: PubMed 32303640 (cited by 6 submitters); PubMed 23141293 (cited by 12 submitters); PubMed 26141459 (cited by 7 submitters); PubMed 25860818 (cited by 8 submitters); PubMed 32695416 (cited by 3 submitters); PubMed 35052424 (cited by Variantyx, Inc.); PubMed 30842647 (cited by Variantyx, Inc. and Pittsburgh Clinical Genomics Laboratory, University of Pittsburgh Medical Center); PubMed 25326637 (cited by Women's Health and Genetics/Laboratory Corporation of America, LabCorp and Laboratory for Molecular Medicine, Mass General Brigham Personalized Medicine); PubMed 29752936 (cited by Mayo Clinic Laboratories, Mayo Clinic); PubMed 29858556 (cited by Mayo Clinic Laboratories, Mayo Clinic and Pittsburgh Clinical Genomics Laboratory, University of Pittsburgh Medical Center); PubMed 32768327 (cited by Mayo Clinic Laboratories, Mayo Clinic); PubMed 37091313 (cited by Practice for Gait Abnormalities, David Pomarino, Competency Network Toe Walking C/o Practice Pomarino).